The following is an entry in ClinVar:

NM_000107.3(DDB2):c.1070C>T (p.Pro357Leu)

Gene: DDB2 (damage specific DNA binding protein 2; plus strand). Cytogenetic location: 11p11.2.
Variant type: single nucleotide variant.
Coding change: c.1070C>T on transcript NM_000107.3 (MANE Select); coding-DNA position 1070, C replaced by T.
Protein change: p.Pro357Leu; replaces proline 357 with leucine.
Molecular consequence: missense variant.
Genome position (GRCh38, 1-based): chr11:47,237,883, C>T. VCF-style: chr11-47237883-C-T. GRCh37 (hg19) VCF-style: chr11-47259434-C-T.
Other names: c.503C>T, p.Pro168Leu (NM_001300734.2); short protein forms P357L, P168L.
Identifiers: ClinVar variation 304927 (VCV000304927.6), dbSNP rs780665825, ClinGen allele CA5972706.

ClinVar aggregate classification (germline): Uncertain significance. Review status: criteria provided, multiple submitters, no conflicts (2 of 4 stars). 2 submissions from 2 submitters: Uncertain significance (2). Last evaluated 2024-10-04.

Conditions:
Xeroderma pigmentosum, group E (XPE). Also called: Xeroderma pigmentosum, complementation group E; Xeroderma pigmentosum, group E, DDB-negative subtype; XERODERMA PIGMENTOSUM V; XP, GROUP E; DDB2-Related Xeroderma Pigmentosum; Xeroderma pigmentosum, complementation group E, DDB-negative form. Identifiers: Orphanet 910, MedGen C1848411, MONDO:0010213, OMIM 278740.

Allele frequency attached by ClinVar (database versions not stated): gnomAD 0.00001; gnomAD exomes 0.00001; TOPMed 0.00001; ExAC 0.00002.
gnomAD v4.1: 21 of 1,614,048 alleles (0.0013%); highest among the groups gnomAD compares: Non-Finnish European, 0.0016%; no homozygotes.

Submissions (2):

Women's Health and Genetics/Laboratory Corporation of America, LabCorp
Classification: Uncertain significance. Last evaluated: 2024-10-04. Review status: criteria provided, single submitter. Criteria: LabCorp Variant Classification Summary - May 2015. Collection method: clinical testing. Allele origin: germline.
Comment: Variant summary: DDB2 c.1070C>T (p.Pro357Leu) results in a non-conservative amino acid change in the encoded protein sequence. Five of five in-silico tools predict a damaging effect of the variant on protein function. The variant allele was found at a frequency of 8e-06 in 251492 control chromosomes. The available data on variant occurrences in the general population are insufficient to allow any conclusion about variant significance. c.1070C>T has been reported in the literature in at least one compound heterozygous individual affected with Xeroderma Pigmentosum (Fassihi_2016). These data do not allow any conclusion about variant significance. To our knowledge, no experimental evidence demonstrating an impact on protein function has been reported. The following publication has been ascertained in the context of this evaluation (PMID: 26884178). ClinVar contains an entry for this variant (Variation ID: 304927). Based on the evidence outlined above, the variant was classified as uncertain significance.

Illumina Laboratory Services, Illumina
Classification: Uncertain significance for Xeroderma pigmentosum, group E. Last evaluated: 2018-01-12. Review status: criteria provided, single submitter. Criteria: ICSL Variant Classification Criteria 13 December 2019. Collection method: clinical testing. Allele origin: germline.

Literature cited by the submitters: PubMed 26884178 (cited by Women's Health and Genetics/Laboratory Corporation of America, LabCorp).